The following is an entry in ClinVar:

ClinVar aggregate classification (germline): Likely benign (1 of 4 stars; one submission).

Allele frequency attached by ClinVar (database versions not stated): gnomAD exomes below 0.00001 and 0.00001; gnomAD 0.00006 and 0.00008; TOPMed 0.00008; ExAC 0.00020.
gnomAD v4.1: 16 of 1,487,576 alleles (0.0011%); highest among the groups gnomAD compares: African/African-American, 0.022%; no homozygotes.

Submission:

Laboratory for Molecular Medicine, Mass General Brigham Personalized Medicine
Classification: Likely benign. Last evaluated: 2016-02-23. Review status: criteria provided, single submitter. Criteria: LMM Criteria. Collection method: clinical testing. Allele origin: germline. Observed: 1 variant allele.
Comment: c.2522+7G>A in intron 19 of OTOG: This variant is not expected to have clinical significance because it is not located within the splice consensus sequence. It has been identified in 0.1% (1/718) of African chromosomes by the Exome Aggrega tion Consortium (ExAC; dbSNP rs774905533).

NM_001292063.2(OTOG):c.2486+7G>A

Gene: OTOG (otogelin; plus strand). Cytogenetic location: 11p15.1.
Variant type: single nucleotide variant.
Coding change: c.2486+7G>A on transcript NM_001292063.2 (MANE Select); 7 bases into the intron after coding-DNA position 2486, G replaced by A.
Molecular consequence: intron variant.
Genome position (GRCh38, 1-based): chr11:17,574,919, G>A. VCF-style: chr11-17574919-G-A. GRCh37 (hg19) VCF-style: chr11-17596466-G-A.
Other names: c.2522+7G>A (NM_001277269.2).
Identifiers: ClinVar variation 227769 (VCV000227769.5), dbSNP rs774905533, ClinGen allele CA5905627.